The following is an entry in ClinVar:

NM_001130144.3(LTBP3):c.2041G>C (p.Gly681Arg)

Gene: LTBP3 (latent transforming growth factor beta binding protein 3; minus strand). Cytogenetic location: 11q13.1.
Variant type: single nucleotide variant.
Coding change: c.2041G>C on transcript NM_001130144.3 (MANE Select); coding-DNA position 2041, G replaced by C.
Protein change: p.Gly681Arg; replaces glycine 681 with arginine.
Molecular consequence: missense variant.
Genome position (GRCh38, 1-based): chr11:65,547,505, C>G on the plus strand (G>C on the coding strand, the complement: LTBP3 is on the minus strand). VCF-style: chr11-65547505-C-G. GRCh37 (hg19) VCF-style: chr11-65314976-C-G.
Other names: c.1690G>C, p.Gly564Arg (NM_001164266.1); c.2041G>C, p.Gly681Arg (NM_021070.4); short protein forms G564R, G681R.
Identifiers: ClinVar variation 1784917 (VCV001784917.3), dbSNP rs2496152988, ClinGen allele CA381270969.

ClinVar aggregate classification (germline): Uncertain significance. Review status: criteria provided, multiple submitters, no conflicts (2 of 4 stars). 2 submissions from 2 submitters: Uncertain significance (2). Last evaluated 2025-11-04.

Conditions:
Brachyolmia-amelogenesis imperfecta syndrome. Also called: Tooth agenesis, selective, 6; Dental anomalies and short stature; PLATYSPONDYLY WITH AMELOGENESIS IMPERFECTA. Identifiers: Orphanet 2899, MedGen C1832594, MONDO:0011018, OMIM 601216. Disease mechanism: loss of function.
Inborn genetic diseases. Identifiers: MedGen C0950123, MeSH D030342.

gnomAD v4.1: 11 of 1,613,882 alleles (0.00068%); highest among the groups gnomAD compares: East Asian, 0.0022%; no homozygotes.

Submissions (2):

Labcorp Genetics (formerly Invitae), Labcorp
Classification: Uncertain significance for Brachyolmia-amelogenesis imperfecta syndrome. Last evaluated: 2025-11-04. Review status: criteria provided, single submitter. Criteria: Invitae Variant Classification Sherloc (09022015). Collection method: clinical testing. Allele origin: germline.
Comment: This sequence change replaces glycine, which is neutral and non-polar, with arginine, which is basic and polar, at codon 681 of the LTBP3 protein (p.Gly681Arg). This variant is not present in population databases (gnomAD no frequency). This variant has not been reported in the literature in individuals affected with LTBP3-related conditions. ClinVar contains an entry for this variant (Variation ID: 1784917). An algorithm developed to predict the effect of missense changes on protein structure and function (PolyPhen-2) suggests that this variant is likely to be disruptive. In summary, the available evidence is currently insufficient to determine the role of this variant in disease. Therefore, it has been classified as a Variant of Uncertain Significance.

Ambry Genetics
Classification: Uncertain significance for Inborn genetic diseases. Last evaluated: 2022-09-05. Review status: criteria provided, single submitter. Criteria: Ambry Variant Classification Scheme 2023. Collection method: clinical testing. Allele origin: germline.
Comment: The p.G681R variant (also known as c.2041G>C), located in coding exon 14 of the LTBP3 gene, results from a G to C substitution at nucleotide position 2041. The glycine at codon 681 is replaced by arginine, an amino acid with dissimilar properties. This amino acid position is conserved. In addition, this alteration is predicted to be deleterious by in silico analysis. Since supporting evidence is limited at this time, the clinical significance of this alteration remains unclear.